The following is an entry in ClinVar:

ClinVar aggregate classification (germline): Likely pathogenic (1 of 4 stars; one submission).

Conditions:
Marfan syndrome (MFS). Also called: Marfan syndrome, classic; MARFAN SYNDROME, TYPE I; Marfan syndrome type 1; Marfan's syndrome; FBN1-Related Marfan Syndrome. Identifiers: Orphanet 284963, Orphanet 558, MedGen C0024796, MONDO:0007947, OMIM 154700.

Submission:

Centre of Medical Genetics, University Hospital Muenster
Classification: Likely pathogenic for Marfan syndrome. Last evaluated: 2022-04-25. Review status: criteria provided, single submitter. Criteria: ACMG Guidelines, 2015. Collection method: clinical testing. Allele origin: unknown. Affected: yes. Observed: 1 variant allele, 1 heterozygote.
Comment: ACMG categories: PM2,PM5,PP3,PP5

NM_000138.5(FBN1):c.7252T>A (p.Cys2418Ser)

Gene: FBN1 (fibrillin 1; minus strand). Cytogenetic location: 15q21.1.
Variant type: single nucleotide variant.
Coding change: c.7252T>A on transcript NM_000138.5 (MANE Select); coding-DNA position 7252, T replaced by A.
Protein change: p.Cys2418Ser; replaces cysteine 2418 with serine.
Molecular consequence: missense variant.
Genome position (GRCh38, 1-based): chr15:48,425,817, A>T on the plus strand (T>A on the coding strand, the complement: FBN1 is on the minus strand). VCF-style: chr15-48425817-A-T. GRCh37 (hg19) VCF-style: chr15-48718014-A-T.
Other names: short protein forms C2418S.
Identifiers: ClinVar variation 1691559 (VCV001691559.3), dbSNP rs1555394441, ClinGen allele CA392328753.